The following is an entry in ClinVar:

ClinVar aggregate classification (germline): Benign. Review status: criteria provided, multiple submitters, no conflicts (2 of 4 stars). 3 submissions from 3 submitters: Benign (3). Last evaluated 2024-06-07.

Allele frequency attached by ClinVar (database versions not stated): gnomAD 0.00647 and 0.00706; 1000 Genomes Project 30x 0.00765; gnomAD exomes 0.00155 and 0.00059; TOPMed 0.00729; ESP Exome Variant Server 0.00869; ExAC 0.00208; 1000 Genomes Project 0.00739.

Submissions (3):

Mayo Clinic Laboratories, Mayo Clinic
Classification: Benign. Last evaluated: 2024-06-07. Review status: criteria provided, single submitter. Criteria: ACMG Guidelines, 2015. Collection method: clinical testing. Allele origin: germline. Observed: 5 variant alleles.
Comment: BA1, BS2, BP4, BP7

Labcorp Genetics (formerly Invitae), Labcorp
Classification: Benign. Last evaluated: 2019-12-31. Review status: criteria provided, single submitter. Criteria: Invitae Variant Classification Sherloc (09022015). Collection method: clinical testing. Allele origin: germline.

Breakthrough Genomics
Classification: Benign. Review status: criteria provided, single submitter. Criteria: ACMG Guidelines, 2015. Collection method: not provided. Allele origin: germline. Inheritance: Autosomal recessive inheritance. Affected: yes.

NM_133443.4(GPT2):c.900+6A>C

Gene: GPT2 (glutamic--pyruvic transaminase 2; plus strand). Cytogenetic location: 16q11.2.
Variant type: single nucleotide variant.
Coding change: c.900+6A>C on transcript NM_133443.4 (MANE Select); 6 bases into the intron after coding-DNA position 900, A replaced by C.
Molecular consequence: intron variant.
Genome position (GRCh38, 1-based): chr16:46,916,713, A>C. VCF-style: chr16-46916713-A-C. GRCh37 (hg19) VCF-style: chr16-46950625-A-C.
Other names: p.?; c.600+6A>C (NM_001142466.3).
Identifiers: ClinVar variation 787443 (VCV000787443.6), dbSNP rs115699618, ClinGen allele CA8038724.